The following is an entry in ClinVar:

NM_002137.4(HNRNPA2B1):c.287A>T (p.His96Leu)

Gene: HNRNPA2B1 (heterogeneous nuclear ribonucleoprotein A2/B1; minus strand). Cytogenetic location: 7p15.2.
Variant type: single nucleotide variant.
Coding change: c.287A>T on transcript NM_002137.4 (MANE Select); coding-DNA position 287, A replaced by T.
Protein change: p.His96Leu; replaces histidine 96 with leucine.
Molecular consequence: missense variant.
Genome position (GRCh38, 1-based): chr7:26,196,995, T>A on the plus strand (A>T on the coding strand, the complement: HNRNPA2B1 is on the minus strand). VCF-style: chr7-26196995-T-A. GRCh37 (hg19) VCF-style: chr7-26236615-T-A.
Other names: c.287A>T, p.His96Leu (NM_001438576.1, NM_001438577.1, NM_001438578.1 and 4 more transcripts); c.323A>T, p.His108Leu (NM_031243.4, NM_001438568.1, NM_001438569.1 and 3 more transcripts); short protein forms H108L, H96L.
Identifiers: ClinVar variation 5017135 (VCV005017135.1).

ClinVar aggregate classification (germline): Uncertain significance (1 of 4 stars; one submission).

gnomAD v4.1: 3 of 1,613,070 alleles (0.00019%); highest among the groups gnomAD compares: Non-Finnish European, 0.00025%; no homozygotes.

Submission:

GeneDx
Classification: Uncertain significance. Last evaluated: 2026-03-27. Review status: criteria provided, single submitter. Criteria: GeneDx Variant Classification Process June 2021. Collection method: clinical testing. Allele origin: germline.
Comment: Not observed at significant frequency in large population cohorts (gnomAD); In silico analysis supports that this missense variant has a deleterious effect on protein structure/function; Has not been previously published as pathogenic or benign to our knowledge